The following is an entry in ClinVar:

ClinVar aggregate classification (germline): Uncertain significance (1 of 4 stars; one submission).

Conditions:
Cardiovascular phenotype. Identifiers: MedGen CN230736.

Allele frequency attached by ClinVar (database versions not stated): gnomAD exomes below 0.00001.

Submission:

Ambry Genetics
Classification: Uncertain significance for Cardiovascular phenotype. Last evaluated: 2019-01-03. Review status: criteria provided, single submitter. Criteria: Ambry Variant Classification Scheme 2023. Collection method: clinical testing. Allele origin: germline.
Comment: The c.14885dupA variant, located in coding exon 105 of the RYR2 gene, results from a duplication of A at nucleotide position 14885. This changes the amino acid at position 4962 from a tyrosine to a stop codon (p.Y4962*). Premature stop codons are typically deleterious in nature; however, this stop codon occurs at the 3' terminus of RYR2, is not expected to trigger nonsense-mediated mRNA decay, and impacts only the last seven amino acids of the protein. The exact functional impact of these removed amino acids is unknown at this time. Since supporting evidence is limited at this time, the clinical significance of this alteration remains unclear.

NM_001035.3(RYR2):c.14885dup (p.Tyr4962Ter)

Gene: RYR2 (ryanodine receptor 2; plus strand). Cytogenetic location: 1q43.
Variant type: Duplication.
Coding change: c.14885dup on transcript NM_001035.3 (MANE Select); coding-DNA position 14885, one base duplicated (A; older notation c.14885dupA).
Protein change: p.Tyr4962Ter; replaces tyrosine 4962 with a stop codon.
Molecular consequence: nonsense.
Genome position (GRCh38, 1-based): chr1:237,832,628, A duplicated. VCF-style (leftmost placement, unchanged base first): chr1-237832627-T-TA. GRCh37 (hg19) VCF-style: chr1-237995927-T-TA.
Other names: short protein forms Y4962*.
Identifiers: ClinVar variation 1773702 (VCV001773702.2), dbSNP rs2528507653, ClinGen allele CA2580062456.